The following is an entry in ClinVar:

ClinVar aggregate classification (germline): Uncertain significance. Review status: criteria provided, multiple submitters, no conflicts (2 of 4 stars). 3 submissions from 3 submitters: Uncertain significance (3). Last evaluated 2026-02-21.

Conditions:
Bardet-Biedl syndrome (BBS). Identifiers: Orphanet 110, MedGen C0752166, MONDO:0015229.
Inborn genetic diseases. Identifiers: MedGen C0950123, MeSH D030342.
BBS1-related disorder. Also called: BBS1-related condition.

gnomAD v4.1: 3 of 1,610,484 alleles (0.00019%); highest among the groups gnomAD compares: Non-Finnish European, 0.00017%; no homozygotes.

Submissions (3):

PreventionGenetics, part of Exact Sciences
Classification: Uncertain significance for BBS1-related condition. Last evaluated: 2026-02-21. Review status: criteria provided, single submitter. Criteria: ACMG Guidelines, 2015. Collection method: clinical testing. Allele origin: germline.
Comment: The BBS1 c.1385G>T variant is predicted to result in the amino acid substitution p.Arg462Leu. To our knowledge, this variant has not been reported in the literature or in a large population database (gnomAD), indicating this variant is rare. At this time, the clinical significance of this variant is uncertain due to the absence of conclusive functional and genetic evidence.

Labcorp Genetics (formerly Invitae), Labcorp
Classification: Uncertain significance for Bardet-Biedl syndrome. Last evaluated: 2023-10-05. Review status: criteria provided, single submitter. Criteria: Invitae Variant Classification Sherloc (09022015). Collection method: clinical testing. Allele origin: germline.
Comment: This sequence change replaces arginine, which is basic and polar, with leucine, which is neutral and non-polar, at codon 462 of the BBS1 protein (p.Arg462Leu). This variant is not present in population databases (gnomAD no frequency). This variant has not been reported in the literature in individuals affected with BBS1-related conditions. ClinVar contains an entry for this variant (Variation ID: 2298468). Advanced modeling of protein sequence and biophysical properties (such as structural, functional, and spatial information, amino acid conservation, physicochemical variation, residue mobility, and thermodynamic stability) performed at Invitae indicates that this missense variant is not expected to disrupt BBS1 protein function. In summary, the available evidence is currently insufficient to determine the role of this variant in disease. Therefore, it has been classified as a Variant of Uncertain Significance.

Ambry Genetics
Classification: Uncertain significance for Inborn genetic diseases. Last evaluated: 2022-06-28. Review status: criteria provided, single submitter. Criteria: Ambry Variant Classification Scheme 2023. Collection method: clinical testing. Allele origin: germline.

NM_024649.5(BBS1):c.1385G>T (p.Arg462Leu)

Genes: BBS1 (Bardet-Biedl syndrome 1; plus strand), ZDHHC24 (zDHHC palmitoyltransferase 24; minus strand). Cytogenetic location: 11q13.2.
Variant type: single nucleotide variant.
Coding change: c.1385G>T on transcript NM_024649.5 (MANE Select); coding-DNA position 1385, G replaced by T.
Protein change: p.Arg462Leu; replaces arginine 462 with leucine.
Molecular consequence: missense variant. On other transcripts: intron variant (1).
Genome position (GRCh38, 1-based): chr11:66,529,864, G>T. VCF-style: chr11-66529864-G-T. GRCh37 (hg19) VCF-style: chr11-66297335-G-T.
Other names: c.560-376C>A (NM_001348571.2); short protein forms R462L.
Identifiers: ClinVar variation 2298468 (VCV002298468.6), dbSNP rs769090687, ClinGen allele CA381423944.